The following is an entry in ClinVar:

NM_001330078.2(NRXN1):c.2881T>C (p.Tyr961His)

Gene: NRXN1 (neurexin 1; minus strand). Cytogenetic location: 2p16.3.
Variant type: single nucleotide variant.
Coding change: c.2881T>C on transcript NM_001330078.2 (MANE Select); coding-DNA position 2881, T replaced by C.
Protein change: p.Tyr961His; replaces tyrosine 961 with histidine.
Molecular consequence: missense variant.
Genome position (GRCh38, 1-based): chr2:50,496,094, A>G on the plus strand (T>C on the coding strand, the complement: NRXN1 is on the minus strand). VCF-style: chr2-50496094-A-G. GRCh37 (hg19) VCF-style: chr2-50723232-A-G.
Other names: c.3001T>C, p.Tyr1001His (NM_001135659.3); c.2857T>C, p.Tyr953His (NM_001330077.2, NM_001330082.2); c.2815T>C, p.Tyr939His (NM_001330083.2, NM_001330084.2); c.2854T>C, p.Tyr952His (NM_001330085.2); c.2881T>C, p.Tyr961His (NM_001330086.2, NM_004801.6); c.2770T>C, p.Tyr924His (NM_001330087.2, NM_001330096.2); c.2800T>C, p.Tyr934His (NM_001330088.2); c.2878T>C, p.Tyr960His (NM_001330093.2); and 2 more; short protein forms Y939H, Y953H, Y960H, Y1001H, Y944H, Y952H, Y957H, Y934H.
Identifiers: ClinVar variation 2801596 (VCV002801596.3), dbSNP rs2091600008, ClinGen allele CA346776658.
Genomic context (GRCh38, chr2:50,496,094, plus strand): 5'-TATTTGAGCTTCCTTTGATGAGGTTAGCACCATTTCCCAAATCAAACACGTAATGTAAGT[A>G]CCTGGGAAAAAAATGAAAGAGGGGAAAGTGCCATCACTTTTTAAATTTTGATGAACCTAA-3'
Protein context (NP_001317007.1, residues 951-971): DFIVVELVKG[Tyr961His]LHYVFDLGNG

ClinVar aggregate classification (germline): Uncertain significance (1 of 4 stars; one submission).

Conditions:
Pitt-Hopkins-like syndrome 2 (PTHSL2). Identifiers: Orphanet 221150, Orphanet 600663, MedGen C3280479, MONDO:0013690, OMIM 614325.

Allele frequency attached by ClinVar (database versions not stated): TOPMed below 0.00001; gnomAD 0.00001.
gnomAD v4.1: 1 of 1,591,546 alleles (0.000063%); highest among the groups gnomAD compares: Non-Finnish European, 0.000086%; no homozygotes.

Submission:

Labcorp Genetics (formerly Invitae), Labcorp
Classification: Uncertain significance for Pitt-Hopkins-like syndrome 2. Last evaluated: 2023-12-15. Review status: criteria provided, single submitter. Criteria: Invitae Variant Classification Sherloc (09022015). Collection method: clinical testing. Allele origin: germline.
Comment: This sequence change replaces tyrosine, which is neutral and polar, with histidine, which is basic and polar, at codon 1001 of the NRXN1 protein (p.Tyr1001His). This variant is not present in population databases (gnomAD no frequency). This variant has not been reported in the literature in individuals affected with NRXN1-related conditions. An algorithm developed to predict the effect of missense changes on protein structure and function (PolyPhen-2) suggests that this variant is likely to be disruptive. In summary, the available evidence is currently insufficient to determine the role of this variant in disease. Therefore, it has been classified as a Variant of Uncertain Significance.